The following is an entry in ClinVar:

NM_005477.3(HCN4):c.1471G>A (p.Asp491Asn)

Gene: HCN4 (hyperpolarization activated cyclic nucleotide gated potassium channel 4; minus strand). Cytogenetic location: 15q24.1.
Variant type: single nucleotide variant.
Coding change: c.1471G>A on transcript NM_005477.3 (MANE Select); coding-DNA position 1471, G replaced by A.
Protein change: p.Asp491Asn; replaces aspartic acid 491 with asparagine.
Molecular consequence: missense variant.
Genome position (GRCh38, 1-based): chr15:73,329,692, C>T on the plus strand (G>A on the coding strand, the complement: HCN4 is on the minus strand). VCF-style: chr15-73329692-C-T. GRCh37 (hg19) VCF-style: chr15-73622033-C-T.
Other names: short protein forms D491N.
Identifiers: ClinVar variation 404133 (VCV000404133.13), dbSNP rs1060500107, ClinGen allele CA16614921.

ClinVar aggregate classification (germline): Conflicting classifications of pathogenicity. Review status: criteria provided, conflicting classifications (1 of 4 stars). 5 submissions from 5 submitters: Pathogenic (1); Likely pathogenic (1); Uncertain significance (1). 2 of the submissions do not count toward it. Last evaluated 2026-03-13.

Conditions:
Sick sinus syndrome 2, autosomal dominant (SSS2). Also called: ATRIAL FIBRILLATION WITH BRADYARRHYTHMIA; SINUS BRADYCARDIA SYNDROME, FAMILIAL, AUTOSOMAL DOMINANT; SINUS NODE DISEASE, FAMILIAL, AUTOSOMAL DOMINANT; SICK SINUS SYNDROME 2; SICK SINUS SYNDROME 2 WITH OR WITHOUT CARDIAC NONCOMPACTION AND/OR ASCENDING AORTA DILATION. Identifiers: Orphanet 166282, MedGen C1834144, MONDO:0008102, OMIM 163800.
Brugada syndrome 8 (BRGDA8). Identifiers: Orphanet 130, MedGen C2751083, MONDO:0013148, OMIM 613123.
HCN4-related disorder. Also called: HCN4-related condition.

Allele frequency attached by ClinVar (database versions not stated): gnomAD exomes below 0.00001; TOPMed below 0.00001.
gnomAD v4.1: 3 of 1,614,188 alleles (0.00019%); highest among the groups gnomAD compares: East Asian, 0.0022%; no homozygotes.

Submissions (5):

Center for Human Genetics and Genomic Medicine, Uniklinik Rwth Aachen
Classification: Pathogenic for Sick sinus syndrome 2, autosomal dominant. Last evaluated: 2026-03-13. Review status: criteria provided, single submitter. Criteria: ACMG Guidelines, 2015. Collection method: clinical testing. Allele origin: de novo. Inheritance: Autosomal dominant inheritance. Affected: yes. Observed: 1 variant allele, 1 heterozygote.
Comment: To date, this variant has been detected in the general population (gnomAD v4.1.0) at low frequency (PM2_sup). In the ClinVar database, it is reported once as likely pathogenic in association with Brugada syndrome and once as a variant of uncertain significance in association with an HCN4-associated disorder. The variant has been described multiple times in the literature in patients with cardiac arrhythmias, ventricular septal defect, NCCM, and other structural heart diseases (Chaudhry-Waterman et al., van Lint et al.) (PS4_mod). Bioinformatics prediction tools (REVEL (v2021-05-03), CADD (v1.6); accessed via Alamut Visual Plus v.1.13 on March 13, 2026) classify the variant as likely pathogenic (PP3_mod). The variant arose de novo in the patient, and the patient exhibits a phenotype specific to HCN4-associated disorders (PS2). Another amino acid substitution at this position (p.Asp491His) was classified as pathogenic once in ClinVar (VCV000666148.10; PM5_sup).

Labcorp Genetics (formerly Invitae), Labcorp
Classification: Likely pathogenic for Brugada syndrome 8. Last evaluated: 2025-11-18. Review status: criteria provided, single submitter. Criteria: Invitae Variant Classification Sherloc (09022015). Collection method: clinical testing. Allele origin: germline.
Comment: This sequence change replaces aspartic acid, which is acidic and polar, with asparagine, which is neutral and polar, at codon 491 of the HCN4 protein (p.Asp491Asn). This variant is not present in population databases (gnomAD no frequency). This missense change has been observed in individual(s) with clinical features of HCN4-related conditions (PMID: 30847666, 34088380; internal data). It has also been observed to segregate with disease in related individuals. ClinVar contains an entry for this variant (Variation ID: 404133). Invitae Evidence Modeling of protein sequence and biophysical properties (such as structural, functional, and spatial information, amino acid conservation, physicochemical variation, residue mobility, and thermodynamic stability) indicates that this missense variant is expected to disrupt HCN4 protein function with a positive predictive value of 95%. In summary, the currently available evidence indicates that the variant is pathogenic, but additional data are needed to prove that conclusively. Therefore, this variant has been classified as Likely Pathogenic.

PreventionGenetics, part of Exact Sciences
Classification: Uncertain significance for HCN4-related condition. Last evaluated: 2022-09-07. Review status: criteria provided, single submitter. Criteria: ACMG Guidelines, 2015. Collection method: clinical testing. Allele origin: germline.
Comment: The HCN4 c.1471G>A variant is predicted to result in the amino acid substitution p.Asp491Asn. This variant was reported in at least five individuals with noncompaction cardiomyopathy or arrhythmias (Supplementary File 2 - van Lint et al. 2019. PubMed ID: 30847666; Cambon-Viala et al. 2021. PubMed ID: 34088380). This variant has not been reported in a large population database, indicating this variant is rare. Although we suspect that this variant may be pathogenic, at this time, the clinical significance of this variant is uncertain due to the absence of conclusive functional and genetic evidence.

Clinical Genetics, Academic Medical Center
Classification: Pathogenic. Review status: no assertion criteria provided. Collection method: clinical testing. Allele origin: germline. Affected: yes. Study: VKGL Data-share Consensus. Not counted in ClinVar's aggregate classification.

Diagnostic Laboratory, Department of Genetics, University Medical Center Groningen
Classification: Pathogenic. Review status: no assertion criteria provided. Collection method: clinical testing. Allele origin: germline. Affected: yes. Study: VKGL Data-share Consensus. Not counted in ClinVar's aggregate classification.

Literature cited by the submitters: PubMed 37445499 (cited by Center for Human Genetics and Genomic Medicine, Uniklinik Rwth Aachen); PubMed 30847666 (cited by Center for Human Genetics and Genomic Medicine, Uniklinik Rwth Aachen and Labcorp Genetics (formerly Invitae), Labcorp); PubMed 34088380 (cited by Labcorp Genetics (formerly Invitae), Labcorp).